The following is an entry in ClinVar:

NM_030943.4(AMN):c.206T>C (p.Met69Thr)

Gene: AMN (amnion associated transmembrane protein; plus strand). Cytogenetic location: 14q32.32.
Variant type: single nucleotide variant.
Coding change: c.206T>C on transcript NM_030943.4 (MANE Select); coding-DNA position 206, T replaced by C.
Protein change: p.Met69Thr; replaces methionine 69 with threonine.
Molecular consequence: missense variant.
Genome position (GRCh38, 1-based): chr14:102,923,978, T>C. VCF-style: chr14-102923978-T-C. GRCh37 (hg19) VCF-style: chr14-103390315-T-C.
Other names: short protein forms M69T.
Identifiers: ClinVar variation 2149807 (VCV002149807.2), dbSNP rs375774640, ClinGen allele CA7359798.

ClinVar aggregate classification (germline): Uncertain significance. Review status: criteria provided, multiple submitters, no conflicts (2 of 4 stars). 2 submissions from 2 submitters: Uncertain significance (2). Last evaluated 2024-01-23.

Conditions:
Imerslund-Grasbeck syndrome type 2. Also called: MEGALOBLASTIC ANEMIA, NORWEGIAN TYPE; Imerslund-Gräsbeck syndrome 2; Megaloblastic anemia 1, Norwegian type. Identifiers: MedGen C4016948, MONDO:0100157, OMIM 618882.
Imerslund-Grasbeck syndrome. Also called: ENTEROCYTE COBALAMIN MALABSORPTION; ENTEROCYTE INTRINSIC FACTOR RECEPTOR, DEFECT OF; Megaloblastic anemia due to inborn errors of metabolism; Imerslund-Gräsbeck syndrome; PERNICIOUS ANEMIA, JUVENILE, DUE TO SELECTIVE INTESTINAL MALABSORPTION OF VITAMIN B12, WITH PROTEINURIA. Identifiers: Orphanet 35858, MedGen C4551825, MONDO:0009853.

Allele frequency attached by ClinVar (database versions not stated): ExAC 0.00002; ESP Exome Variant Server 0.00008; TOPMed 0.00018.
gnomAD v4.1: 53 of 1,613,044 alleles (0.0033%); highest among the groups gnomAD compares: Admixed American, 0.072%; no homozygotes.

Submissions (2):

Fulgent Genetics
Classification: Uncertain significance for Imerslund-Grasbeck syndrome type 2. Last evaluated: 2024-01-23. Review status: criteria provided, single submitter. Criteria: ACMG Guidelines, 2015. Collection method: clinical testing. Allele origin: germline.

Labcorp Genetics (formerly Invitae), Labcorp
Classification: Uncertain significance for Imerslund-Grasbeck syndrome. Last evaluated: 2022-07-20. Review status: criteria provided, single submitter. Criteria: Invitae Variant Classification Sherloc (09022015). Collection method: clinical testing. Allele origin: germline.
Comment: This sequence change replaces methionine, which is neutral and non-polar, with threonine, which is neutral and polar, at codon 69 of the AMN protein (p.Met69Thr). This variant is present in population databases (rs375774640, gnomAD 0.04%). This variant has not been reported in the literature in individuals affected with AMN-related conditions. Algorithms developed to predict the effect of missense changes on protein structure and function (SIFT, PolyPhen-2, Align-GVGD) all suggest that this variant is likely to be disruptive. In summary, the available evidence is currently insufficient to determine the role of this variant in disease. Therefore, it has been classified as a Variant of Uncertain Significance.